The following is an entry in ClinVar:

ClinVar aggregate classification (germline): Uncertain significance (1 of 4 stars; one submission).

Allele frequency attached by ClinVar (database versions not stated): gnomAD exomes below 0.00001; gnomAD 0.00001; TOPMed 0.00001.
gnomAD v4.1: 7 of 1,613,994 alleles (0.00043%); highest among the groups gnomAD compares: Non-Finnish European, 0.00051%; no homozygotes.

Submission:

Labcorp Genetics (formerly Invitae), Labcorp
Classification: Uncertain significance. Last evaluated: 2023-11-24. Review status: criteria provided, single submitter. Criteria: Invitae Variant Classification Sherloc (09022015). Collection method: clinical testing. Allele origin: germline.
Comment: This sequence change replaces alanine, which is neutral and non-polar, with threonine, which is neutral and polar, at codon 484 of the PRPF31 protein (p.Ala484Thr). This variant is not present in population databases (gnomAD no frequency). This variant has not been reported in the literature in individuals affected with PRPF31-related conditions. ClinVar contains an entry for this variant (Variation ID: 1968352). An algorithm developed to predict the effect of missense changes on protein structure and function (PolyPhen-2) suggests that this variant is likely to be tolerated. In summary, the available evidence is currently insufficient to determine the role of this variant in disease. Therefore, it has been classified as a Variant of Uncertain Significance.

NM_015629.4(PRPF31):c.1450G>A (p.Ala484Thr)

Gene: PRPF31 (pre-mRNA processing factor 31; plus strand). Cytogenetic location: 19q13.42.
Variant type: single nucleotide variant.
Coding change: c.1450G>A on transcript NM_015629.4 (MANE Select); coding-DNA position 1450, G replaced by A.
Protein change: p.Ala484Thr; replaces alanine 484 with threonine.
Molecular consequence: missense variant.
Genome position (GRCh38, 1-based): chr19:54,131,382, G>A. VCF-style: chr19-54131382-G-A. GRCh37 (hg19) VCF-style: chr19-54634813-G-A.
Other names: short protein forms A484T.
Identifiers: ClinVar variation 1968352 (VCV001968352.5), dbSNP rs970673640, ClinGen allele CA309332347.